The following is an entry in ClinVar:

NM_003070.5(SMARCA2):c.782G>A (p.Arg261Lys)

Gene: SMARCA2 (SWI/SNF related BAF chromatin remodeling complex subunit ATPase 2; plus strand). Cytogenetic location: 9p24.3.
Variant type: single nucleotide variant.
Coding change: c.782G>A on transcript NM_003070.5 (MANE Select); coding-DNA position 782, G replaced by A.
Protein change: p.Arg261Lys; replaces arginine 261 with lysine.
Molecular consequence: missense variant.
Genome position (GRCh38, 1-based): chr9:2,039,892, G>A. VCF-style: chr9-2039892-G-A. GRCh37 (hg19) VCF-style: chr9-2039892-G-A.
Other names: c.782G>A, p.Arg261Lys (NM_001289396.2, NM_001289397.2, NM_139045.4); short protein forms R261K.
Identifiers: ClinVar variation 3364960 (VCV003364960.1).

ClinVar aggregate classification (germline): Uncertain significance (1 of 4 stars; one submission).

Submission:

GeneDx
Classification: Uncertain significance. Last evaluated: 2023-11-28. Review status: criteria provided, single submitter. Criteria: GeneDx Variant Classification Process June 2021. Collection method: clinical testing. Allele origin: germline. Affected: yes.
Comment: Not observed at significant frequency in large population cohorts (gnomAD); In silico analysis supports that this missense variant does not alter protein structure/function; Has not been previously published as pathogenic or benign to our knowledge